The following is an entry in ClinVar:

ClinVar aggregate classification (germline): Conflicting classifications of pathogenicity. Review status: criteria provided, conflicting classifications (1 of 4 stars). 3 submissions from 3 submitters: Uncertain significance (1); Likely benign (2). Last evaluated 2026-01-06.

Conditions:
Inborn genetic diseases. Identifiers: MedGen C0950123, MeSH D030342.
Drash syndrome (DDS). Also called: NEPHROPATHY, WILMS TUMOR, AND GENITAL ANOMALIES; WILMS TUMOR AND PSEUDO- OR TRUE HERMAPHRODITISM. Identifiers: Orphanet 220, MedGen C0950121, MONDO:0008682, OMIM 194080.
Frasier syndrome. Identifiers: Orphanet 347, MedGen C0950122, MeSH D052159, MONDO:0007635, OMIM 136680.
Wilms tumor 1 (WT1). Also called: Wilms tumor, somatic. Identifiers: Orphanet 654, MedGen CN033288, MONDO:0008679, OMIM 194070.
11p partial monosomy syndrome (WAGR). Also called: WAGR Spectrum Disorder; WAGR Complex; CHROMOSOME 11p13 DELETION SYNDROME; WAGR syndrome. Identifiers: Orphanet 893, MedGen C0206115, MONDO:0008681, OMIM 194072.

Allele frequency attached by ClinVar (database versions not stated): gnomAD 0.00001; TOPMed 0.00001.
gnomAD v4.1: 2 of 1,613,874 alleles (0.00012%); highest among the groups gnomAD compares: Admixed American, 0.0017%; no homozygotes.

Submissions (3):

Ambry Genetics
Classification: Likely benign for Inborn genetic diseases. Last evaluated: 2026-01-06. Review status: criteria provided, single submitter. Criteria: Ambry Variant Classification Scheme 2023. Collection method: clinical testing. Allele origin: germline.

GeneDx
Classification: Uncertain significance. Last evaluated: 2024-03-01. Review status: criteria provided, single submitter. Criteria: GeneDx Variant Classification Process June 2021. Collection method: clinical testing. Allele origin: germline. Affected: yes.
Comment: Not observed at significant frequency in large population cohorts (gnomAD); In silico analysis supports that this variant does not alter splicing; Has not been previously published as pathogenic or benign to our knowledge

Labcorp Genetics (formerly Invitae), Labcorp
Classification: Likely benign for Wilms tumor 1; Drash syndrome; 11p partial monosomy syndrome; Frasier syndrome. Last evaluated: 2023-08-20. Review status: criteria provided, single submitter. Criteria: Invitae Variant Classification Sherloc (09022015). Collection method: clinical testing. Allele origin: germline.

NM_024426.6(WT1):c.1281G>A (p.Gln427=)

Gene: WT1 (WT1 transcription factor; minus strand). Cytogenetic location: 11p13.
Variant type: single nucleotide variant.
Coding change: c.1281G>A on transcript NM_024426.6 (MANE Select); coding-DNA position 1281, G replaced by A.
Protein change: p.Gln427=; no amino-acid change (glutamine 427 retained).
Molecular consequence: synonymous variant. On other transcripts: non-coding transcript variant (2), intron variant (1).
Genome position (GRCh38, 1-based): chr11:32,392,739, C>T on the plus strand (G>A on the coding strand, the complement: WT1 is on the minus strand). VCF-style: chr11-32392739-C-T. GRCh37 (hg19) VCF-style: chr11-32414285-C-T.
Other names: c.1230G>A, p.Gln410= (NM_000378.6, NM_001407045.1, NM_001407049.1); c.630G>A, p.Gln210= (NM_001198551.2); c.579G>A, p.Gln193= (NM_001198552.2); c.93G>A, p.Gln31= (NM_001367854.1); c.1275G>A, p.Gln425= (NM_001407044.1); c.1281G>A, p.Gln427= (NM_001407046.1, NM_024424.5); c.1158G>A, p.Gln386= (NM_001407047.1); c.1107G>A, p.Gln369= (NM_001407050.1); and 3 more.
Identifiers: ClinVar variation 792544 (VCV000792544.12), dbSNP rs774650640, ClinGen allele CA473565933.